The following is an entry in ClinVar:

NM_001846.4(COL4A2):c.4716G>A (p.Pro1572=)

Genes: COL4A2 (collagen type IV alpha 2 chain; plus strand), COL4A2-AS1 (COL4A2 antisense RNA 1; minus strand). Cytogenetic location: 13q34.
Variant type: single nucleotide variant.
Coding change: c.4716G>A on transcript NM_001846.4 (MANE Select); coding-DNA position 4716, G replaced by A.
Protein change: p.Pro1572=; no amino-acid change (proline 1572 retained).
Molecular consequence: synonymous variant.
Genome position (GRCh38, 1-based): chr13:110,508,056, G>A. VCF-style: chr13-110508056-G-A. GRCh37 (hg19) VCF-style: chr13-111160403-G-A.
Identifiers: ClinVar variation 754762 (VCV000754762.48), dbSNP rs201510187, ClinGen allele CA7050633.

ClinVar aggregate classification (germline): Benign/Likely benign. Review status: criteria provided, multiple submitters, no conflicts (2 of 4 stars). 4 submissions from 4 submitters: Benign (1); Likely benign (3). Last evaluated 2025-08-22.

Conditions:
Brain small vessel disease 2A, autosomal dominant. Also called: Porencephaly 2. Identifiers: Orphanet 2940, Orphanet 99810, MedGen C3280970, MONDO:0013773, OMIM 614483.

Allele frequency attached by ClinVar (database versions not stated): ExAC 0.00019; gnomAD 0.00029 and 0.00032; gnomAD exomes 0.00029 and 0.00043; TOPMed 0.00034; ESP Exome Variant Server 0.00070.
gnomAD v4.1: 664 of 1,614,108 alleles (0.041%); highest among the groups gnomAD compares: Non-Finnish European, 0.054%; 2 homozygotes.

Submissions (4):

Labcorp Genetics (formerly Invitae), Labcorp
Classification: Likely benign. Last evaluated: 2025-08-22. Review status: criteria provided, single submitter. Criteria: Invitae Variant Classification Sherloc (09022015). Collection method: clinical testing. Allele origin: germline.

CeGaT Center for Human Genetics Tuebingen
Classification: Likely benign. Last evaluated: 2025-02-01. Review status: criteria provided, single submitter. Criteria: CeGaT Center For Human Genetics Tuebingen Variant Classification Criteria Version 2. Collection method: clinical testing. Allele origin: germline. Affected: yes. Observed: 5 variant alleles.
Comment: COL4A2: BP4, BP7

Blueprint Genetics
Classification: Likely benign. Last evaluated: 2024-10-11. Review status: criteria provided, single submitter. Criteria: ACMG Guidelines, 2015. Collection method: clinical testing. Allele origin: germline.

Illumina Laboratory Services, Illumina
Classification: Benign for Brain small vessel disease 2A, autosomal dominant. Last evaluated: 2017-04-27. Review status: criteria provided, single submitter. Criteria: ICSL Variant Classification Criteria 13 December 2019. Collection method: clinical testing. Allele origin: germline.
Comment: This variant was observed as part of a predisposition screen in an ostensibly healthy population. A literature search was performed for the gene, cDNA change, and amino acid change (where applicable). No publications were found based on this search. Allele frequency data from public databases was too high to be consistent with this variant causing disease. Therefore, this variant is classified as benign.